The following is an entry in ClinVar:

NM_000090.4(COL3A1):c.2981C>T (p.Pro994Leu)

Gene: COL3A1 (collagen type III alpha 1 chain; plus strand). Cytogenetic location: 2q32.2.
Variant type: single nucleotide variant.
Coding change: c.2981C>T on transcript NM_000090.4 (MANE Select); coding-DNA position 2981, C replaced by T.
Protein change: p.Pro994Leu; replaces proline 994 with leucine.
Molecular consequence: missense variant.
Genome position (GRCh38, 1-based): chr2:189,005,399, C>T. VCF-style: chr2-189005399-C-T. GRCh37 (hg19) VCF-style: chr2-189870125-C-T.
Other names: short protein forms P994L.
Identifiers: ClinVar variation 921663 (VCV000921663.14), dbSNP rs1688563132, ClinGen allele CA349844770.

ClinVar aggregate classification (germline): Uncertain significance. Review status: criteria provided, multiple submitters, no conflicts (2 of 4 stars). 4 submissions from 4 submitters: Uncertain significance (4). Last evaluated 2026-08-28.

Conditions:
Familial thoracic aortic aneurysm and aortic dissection (TAAD). Also called: Thoracic aortic aneurysms and dissections. Identifiers: Orphanet 91387, MedGen C4707243, MONDO:0019625.
Ehlers-Danlos syndrome, type 4 (EDSVASC). Also called: Ehlers-Danlos Syndrome Type IV; Ehlers-Danlos syndrome vascular type; Ehlers Danlos syndrome, ecchymotic type; Ehlers Danlos syndrome, arterial type; Ehlers Danlos syndrome, Sack-Barabas type. Identifiers: Orphanet 286, MedGen C0268338, MONDO:0017314, OMIM 130050.

Allele frequency attached by ClinVar (database versions not stated): gnomAD exomes below 0.00001.
gnomAD v4.1: 4 of 1,614,006 alleles (0.00025%); highest among the groups gnomAD compares: Non-Finnish European, 0.00034%; no homozygotes.

Submissions (4):

GeneDx
Classification: Uncertain significance. Last evaluated: 2026-08-28. Review status: criteria provided, single submitter. Criteria: GeneDx Variant Classification Process June 2021. Collection method: clinical testing. Allele origin: germline.
Comment: Has not been previously published as pathogenic or benign to our knowledge; Not observed at significant frequency in large population cohorts (gnomAD); Occurs in the triple helical domain at the X position in the canonical Gly-X-Y repeat; although this variant may have an effect on normal protein folding and function, missense substitution at the X position is not a common mechanism of disease (HGMD); In silico analysis supports that this missense variant has a deleterious effect on protein structure/function; This variant is associated with the following publications: (PMID: 27535533)

Labcorp Genetics (formerly Invitae), Labcorp
Classification: Uncertain significance for Ehlers-Danlos syndrome, type 4. Last evaluated: 2025-11-24. Review status: criteria provided, single submitter. Criteria: Invitae Variant Classification Sherloc (09022015). Collection method: clinical testing. Allele origin: germline.
Comment: This sequence change replaces proline, which is neutral and non-polar, with leucine, which is neutral and non-polar, at codon 994 of the COL3A1 protein (p.Pro994Leu). This variant is not present in population databases (gnomAD no frequency). This variant has not been reported in the literature in individuals affected with COL3A1-related conditions. ClinVar contains an entry for this variant (Variation ID: 921663). Invitae Evidence Modeling of protein sequence and biophysical properties (such as structural, functional, and spatial information, amino acid conservation, physicochemical variation, residue mobility, and thermodynamic stability) indicates that this missense variant is not expected to disrupt COL3A1 protein function with a negative predictive value of 95%. In summary, the available evidence is currently insufficient to determine the role of this variant in disease. Therefore, it has been classified as a Variant of Uncertain Significance.

Color Diagnostics, LLC DBA Color Health
Classification: Uncertain significance for Familial thoracic aortic aneurysm and aortic dissection. Last evaluated: 2024-03-07. Review status: criteria provided, single submitter. Criteria: ACMG Guidelines, 2015. Collection method: clinical testing. Allele origin: germline.
Comment: This missense variant replaces proline with leucine at codon 994 of the COL3A1 protein. Computational prediction suggests that this variant may not impact protein structure and function (internally defined REVEL score threshold <= 0.5, PMID: 27666373). To our knowledge, functional studies have not been reported for this variant. This variant has not been reported in individuals affected with COL3A1-related disorders in the literature. This variant has not been identified in the general population by the Genome Aggregation Database (gnomAD). The available evidence is insufficient to determine the role of this variant in disease conclusively. Therefore, this variant is classified as a Variant of Uncertain Significance.

All of Us Research Program, National Institutes of Health
Classification: Uncertain significance for Ehlers-Danlos syndrome, type 4. Last evaluated: 2023-04-03. Review status: criteria provided, single submitter. Criteria: ACMG Guidelines, 2015. Collection method: clinical testing. Allele origin: germline. Inheritance: Autosomal dominant inheritance. Observed: 1 variant allele, 1 heterozygote.
Comment: This missense variant replaces proline with leucine at codon 994 of the COL3A1 protein. Computational prediction suggests that this variant may not impact protein structure and function (internally defined REVEL score threshold <= 0.5, PMID: 27666373). To our knowledge, functional studies have not been reported for this variant. This variant has not been reported in individuals affected with cardiovascular disorders in the literature. This variant has not been identified in the general population by the Genome Aggregation Database (gnomAD). The available evidence is insufficient to determine the role of this variant in disease conclusively. Therefore, this variant is classified as a Variant of Uncertain Significance.

This study involves interpretation of variants in research participants for the purpose of population health screening. Participant phenotype was not available at the time of variant classification. Additional details can be found in publication PMID: 35346344, PMCID: PMC8962531